The following is an entry in ClinVar:

ClinVar aggregate classification (germline): Uncertain significance (1 of 4 stars; one submission).

Conditions:
Cornelia de Lange syndrome 1 (CDLS1). Also called: Brachmann de Lange syndrome; TYPUS DEGENERATIVUS AMSTELODAMENSIS; NIPBL-Related Cornelia de Lange Syndrome. Identifiers: Orphanet 199, MedGen C4551851, MONDO:0007387, OMIM 122470.

gnomAD v4.1: 1 of 1,613,750 alleles (0.000062%); highest among the groups gnomAD compares: African/African-American, 0.0013%; no homozygotes.

Submission:

Labcorp Genetics (formerly Invitae), Labcorp
Classification: Uncertain significance for Cornelia de Lange syndrome 1. Last evaluated: 2024-02-24. Review status: criteria provided, single submitter. Criteria: Invitae Variant Classification Sherloc (09022015). Collection method: clinical testing. Allele origin: germline.
Comment: This sequence change replaces serine, which is neutral and polar, with alanine, which is neutral and non-polar, at codon 224 of the NIPBL protein (p.Ser224Ala). This variant is not present in population databases (gnomAD no frequency). This variant has not been reported in the literature in individuals affected with NIPBL-related conditions. Advanced modeling of protein sequence and biophysical properties (such as structural, functional, and spatial information, amino acid conservation, physicochemical variation, residue mobility, and thermodynamic stability) performed at Invitae indicates that this missense variant is not expected to disrupt NIPBL protein function with a negative predictive value of 95%. In summary, the available evidence is currently insufficient to determine the role of this variant in disease. Therefore, it has been classified as a Variant of Uncertain Significance.

NM_133433.4(NIPBL):c.670T>G (p.Ser224Ala)

Gene: NIPBL (NIPBL cohesin loading factor; plus strand). Cytogenetic location: 5p13.2.
Variant type: single nucleotide variant.
Coding change: c.670T>G on transcript NM_133433.4 (MANE Select); coding-DNA position 670, T replaced by G.
Protein change: p.Ser224Ala; replaces serine 224 with alanine.
Molecular consequence: missense variant.
Genome position (GRCh38, 1-based): chr5:36,970,935, T>G. VCF-style: chr5-36970935-T-G. GRCh37 (hg19) VCF-style: chr5-36971037-T-G.
Other names: c.670T>G, p.Ser224Ala (NM_015384.5); short protein forms S224A.
Identifiers: ClinVar variation 3628292 (VCV003628292.2).